The following is an entry in ClinVar:

ClinVar aggregate classification (germline): Likely benign (1 of 4 stars; one submission).

Allele frequency attached by ClinVar (database versions not stated): gnomAD exomes 0.00052.
gnomAD v4.1: 176 of 399,438 alleles (0.044%); highest among the groups gnomAD compares: Non-Finnish European, 0.068%; no homozygotes.

Submission:

CeGaT Center for Human Genetics Tuebingen
Classification: Likely benign. Last evaluated: 2022-09-01. Review status: criteria provided, single submitter. Criteria: CeGaT Center For Human Genetics Tuebingen Variant Classification Criteria Version 2. Collection method: clinical testing. Allele origin: germline. Affected: yes. Observed: 1 variant allele.
Comment: LOC400499: BP4, BP7

NM_001370704.1(APOLTP):c.3177C>T (p.His1059=)

Genes: APOLTP (apolipoprotein lipid transfer particle homolog; minus strand), LOC101927131 (uncharacterized LOC101927131; plus strand). Cytogenetic location: 16p13.13.
Variant type: single nucleotide variant.
Coding change: c.3177C>T on transcript NM_001370704.1 (MANE Select); coding-DNA position 3177, C replaced by T.
Protein change: p.His1059=; no amino-acid change (histidine 1059 retained).
Molecular consequence: synonymous variant.
Genome position (GRCh38, 1-based): chr16:11,469,226, G>A on the plus strand (C>T on the coding strand, the complement: APOLTP is on the minus strand). VCF-style: chr16-11469226-G-A. GRCh37 (hg19) VCF-style: chr16-11563082-G-A.
Other names: c.3177C>T, p.His1059= (NM_001395505.1).
Identifiers: ClinVar variation 2646227 (VCV002646227.24), dbSNP rs761799805, ClinGen allele CA7903651.